The following is an entry in ClinVar:

ClinVar aggregate classification (germline): Uncertain significance (1 of 4 stars; one submission).

Conditions:
COL11A1-related disorder. Also called: COL11A1-related condition; COL11A1-related disorders.

Submission:

PreventionGenetics, part of Exact Sciences
Classification: Uncertain significance for COL11A1-related condition. Last evaluated: 2025-02-12. Review status: criteria provided, single submitter. Criteria: ACMG Guidelines, 2015. Collection method: clinical testing. Allele origin: germline.
Comment: The COL11A1 c.1642T>C variant is predicted to result in the amino acid substitution p.Ser548Pro. To our knowledge, this variant has not been reported in the literature or in a large population database (gnomAD), indicating this variant is rare. At this time, the clinical significance of this variant is uncertain due to the absence of conclusive functional and genetic evidence.

NM_001854.4(COL11A1):c.1642T>C (p.Ser548Pro)

Gene: COL11A1 (collagen type XI alpha 1 chain; minus strand). Cytogenetic location: 1p21.1.
Variant type: single nucleotide variant.
Coding change: c.1642T>C on transcript NM_001854.4 (MANE Select); coding-DNA position 1642, T replaced by C.
Protein change: p.Ser548Pro; replaces serine 548 with proline.
Molecular consequence: missense variant. On other transcripts: non-coding transcript variant (1).
Genome position (GRCh38, 1-based): chr1:103,008,504, A>G on the plus strand (T>C on the coding strand, the complement: COL11A1 is on the minus strand). VCF-style: chr1-103008504-A-G. GRCh37 (hg19) VCF-style: chr1-103474060-A-G.
Other names: c.1525T>C, p.Ser509Pro (NM_001190709.2); c.1678T>C, p.Ser560Pro (NM_080629.3); c.1294T>C, p.Ser432Pro (NM_080630.4); short protein forms S432P, S509P, S548P, S560P.
Identifiers: ClinVar variation 4996861 (VCV004996861.1).